The following is an entry in ClinVar:

ClinVar aggregate classification (germline): Uncertain significance (1 of 4 stars; one submission).

Conditions:
Brown-Vialetto-van Laere syndrome 2. Also called: SPINOCEREBELLAR ATAXIA WITH BLINDNESS AND DEAFNESS 2; Riboflavin transporter deficiency type 2. Identifiers: Orphanet 572543, Orphanet 97229, MedGen C3553538, MONDO:0013867, OMIM 614707.

Allele frequency attached by ClinVar (database versions not stated): gnomAD exomes 0.00002.

Submission:

Labcorp Genetics (formerly Invitae), Labcorp
Classification: Uncertain significance for Brown-Vialetto-van Laere syndrome 2. Last evaluated: 2022-02-23. Review status: criteria provided, single submitter. Criteria: Invitae Variant Classification Sherloc (09022015). Collection method: clinical testing. Allele origin: germline.
Comment: This sequence change replaces glycine, which is neutral and non-polar, with glutamic acid, which is acidic and polar, at codon 239 of the SLC52A2 protein (p.Gly239Glu). This variant is not present in population databases (gnomAD no frequency). This variant has not been reported in the literature in individuals affected with SLC52A2-related conditions. Advanced modeling of protein sequence and biophysical properties (such as structural, functional, and spatial information, amino acid conservation, physicochemical variation, residue mobility, and thermodynamic stability) performed at Invitae indicates that this missense variant is not expected to disrupt SLC52A2 protein function. In summary, the available evidence is currently insufficient to determine the role of this variant in disease. Therefore, it has been classified as a Variant of Uncertain Significance.

NM_001363118.2(SLC52A2):c.716G>A (p.Gly239Glu)

Gene: SLC52A2 (solute carrier family 52 member 2; plus strand). Cytogenetic location: 8q24.3.
Variant type: single nucleotide variant.
Coding change: c.716G>A on transcript NM_001363118.2 (MANE Select); coding-DNA position 716, G replaced by A.
Protein change: p.Gly239Glu; replaces glycine 239 with glutamic acid.
Molecular consequence: missense variant. On other transcripts: non-coding transcript variant (1).
Genome position (GRCh38, 1-based): chr8:144,360,208, G>A. VCF-style: chr8-144360208-G-A. GRCh37 (hg19) VCF-style: chr8-145583868-G-A.
Other names: c.716G>A, p.Gly239Glu (NM_001253815.2, NM_001253816.2, NM_001363120.2 and 2 more transcripts); c.224G>A, p.Gly75Glu (NM_001363122.2); c.452G>A, p.Gly151Glu (NM_001410949.1); short protein forms G239E, G151E, G75E.
Identifiers: ClinVar variation 2102501 (VCV002102501.3), dbSNP rs1818766209, ClinGen allele CA372627716.